The following is an entry in ClinVar:

ClinVar aggregate classification (germline): Uncertain significance. Review status: criteria provided, multiple submitters, no conflicts (2 of 4 stars). 2 submissions from 2 submitters: Uncertain significance (2). Last evaluated 2021-10-27.

Conditions:
Inborn genetic diseases. Identifiers: MedGen C0950123, MeSH D030342.
Multiple gastrointestinal atresias. Also called: Multiple intestinal atresia; FAMILIAL INTESTINAL POLYATRESIA SYNDROME. Identifiers: Orphanet 2300, MedGen C0220744, MONDO:0009465.

Allele frequency attached by ClinVar (database versions not stated): gnomAD exomes 0.00003 and 0.00004; gnomAD 0.00004; 1000 Genomes Project 0.00020; ExAC 0.00005; TOPMed 0.00005; 1000 Genomes Project 30x 0.00016.
gnomAD v4.1: 50 of 1,613,920 alleles (0.0031%); highest among the groups gnomAD compares: Middle Eastern, 0.016%; no homozygotes.

Submissions (2):

Ambry Genetics
Classification: Uncertain significance for Inborn genetic diseases. Last evaluated: 2021-10-27. Review status: criteria provided, single submitter. Criteria: Ambry Variant Classification Scheme 2023. Collection method: clinical testing. Allele origin: germline.

Labcorp Genetics (formerly Invitae), Labcorp
Classification: Uncertain significance for Multiple gastrointestinal atresias. Last evaluated: 2021-10-24. Review status: criteria provided, single submitter. Criteria: Invitae Variant Classification Sherloc (09022015). Collection method: clinical testing. Allele origin: germline.
Comment: This sequence change replaces tyrosine with cysteine at codon 383 of the TTC7A protein (p.Tyr383Cys). The tyrosine residue is moderately conserved and there is a large physicochemical difference between tyrosine and cysteine. This variant is present in population databases (rs541556135, ExAC 0.01%). This variant has not been reported in the literature in individuals affected with TTC7A-related conditions. Algorithms developed to predict the effect of missense changes on protein structure and function are either unavailable or do not agree on the potential impact of this missense change (SIFT: "Deleterious"; PolyPhen-2: "Possibly Damaging"; Align-GVGD: "Class C0"). In summary, the available evidence is currently insufficient to determine the role of this variant in disease. Therefore, it has been classified as a Variant of Uncertain Significance.

NM_020458.4(TTC7A):c.1148A>G (p.Tyr383Cys)

Gene: TTC7A (tetratricopeptide repeat domain 7A; plus strand). Cytogenetic location: 2p21.
Variant type: single nucleotide variant.
Coding change: c.1148A>G on transcript NM_020458.4 (MANE Select); coding-DNA position 1148, A replaced by G.
Protein change: p.Tyr383Cys; replaces tyrosine 383 with cysteine.
Molecular consequence: missense variant.
Genome position (GRCh38, 1-based): chr2:47,006,004, A>G. VCF-style: chr2-47006004-A-G. GRCh37 (hg19) VCF-style: chr2-47233143-A-G.
Other names: c.1148A>G, p.Tyr383Cys (NM_001288951.2); c.1046A>G, p.Tyr349Cys (NM_001288953.2); c.86A>G, p.Tyr29Cys (NM_001288955.2); c.1148A>G (NM_020458.2); short protein forms Y383C, Y29C, Y349C.
Identifiers: ClinVar variation 1482719 (VCV001482719.4), dbSNP rs541556135, ClinGen allele CA1647513.